The following is an entry in ClinVar:

NM_030632.3(ASXL3):c.5692A>G (p.Lys1898Glu)

Gene: ASXL3 (ASXL transcriptional regulator 3; plus strand). Cytogenetic location: 18q12.1.
Variant type: single nucleotide variant.
Coding change: c.5692A>G on transcript NM_030632.3 (MANE Select); coding-DNA position 5692, A replaced by G.
Protein change: p.Lys1898Glu; replaces lysine 1898 with glutamic acid.
Molecular consequence: missense variant.
Genome position (GRCh38, 1-based): chr18:33,745,540, A>G. VCF-style: chr18-33745540-A-G. GRCh37 (hg19) VCF-style: chr18-31325504-A-G.
Other names: short protein forms K1898E.
Identifiers: ClinVar variation 4823801 (VCV004823801.4).

ClinVar aggregate classification (germline): Uncertain significance (1 of 4 stars; one submission).

Submission:

CeGaT Center for Human Genetics Tuebingen
Classification: Uncertain significance. Last evaluated: 2026-03-01. Review status: criteria provided, single submitter. Criteria: CeGaT Center For Human Genetics Tuebingen Variant Classification Criteria Version 2. Collection method: clinical testing. Allele origin: germline. Affected: yes. Observed: 1 variant allele.
Comment: ASXL3: PM2